The following is an entry in ClinVar:

NM_175875.5(SIX5):c.445A>G (p.Ser149Gly)

Genes: DM1-AS (DM1 locus antisense RNA; plus strand), SIX5 (SIX homeobox 5; minus strand), LOC107075317 (origin of replication in DMPK trinucleotide repeat region; plus strand). Cytogenetic location: 19q13.32.
Variant type: single nucleotide variant.
Coding change: c.445A>G on transcript NM_175875.5 (MANE Select); coding-DNA position 445, A replaced by G.
Protein change: p.Ser149Gly; replaces serine 149 with glycine.
Molecular consequence: missense variant.
Genome position (GRCh38, 1-based): chr19:45,768,400, T>C on the plus strand (A>G on the coding strand, the complement: SIX5 is on the minus strand). VCF-style: chr19-45768400-T-C. GRCh37 (hg19) VCF-style: chr19-46271658-T-C.
Other names: short protein forms S149G.
Identifiers: ClinVar variation 3015432 (VCV003015432.3), dbSNP rs2513604906, ClinGen allele CA406423610.

ClinVar aggregate classification (germline): Uncertain significance (1 of 4 stars; one submission).

Allele frequency attached by ClinVar (database versions not stated): gnomAD exomes below 0.00001.

Submission:

Labcorp Genetics (formerly Invitae), Labcorp
Classification: Uncertain significance. Last evaluated: 2023-08-27. Review status: criteria provided, single submitter. Criteria: Invitae Variant Classification Sherloc (09022015). Collection method: clinical testing. Allele origin: germline.
Comment: This sequence change replaces serine, which is neutral and polar, with glycine, which is neutral and non-polar, at codon 149 of the SIX5 protein (p.Ser149Gly). This variant is not present in population databases (gnomAD no frequency). This variant has not been reported in the literature in individuals affected with SIX5-related conditions. Advanced modeling of protein sequence and biophysical properties (such as structural, functional, and spatial information, amino acid conservation, physicochemical variation, residue mobility, and thermodynamic stability) performed at Invitae indicates that this missense variant is not expected to disrupt SIX5 protein function. In summary, the available evidence is currently insufficient to determine the role of this variant in disease. Therefore, it has been classified as a Variant of Uncertain Significance.